The following is an entry in ClinVar:

ClinVar aggregate classification (germline): Likely pathogenic (1 of 4 stars; one submission).

Conditions:
Familial thoracic aortic aneurysm and aortic dissection (TAAD). Also called: Thoracic aortic aneurysms and dissections. Identifiers: Orphanet 91387, MedGen C4707243, MONDO:0019625.

Submission:

Ambry Genetics
Classification: Likely pathogenic for Familial thoracic aortic aneurysm and aortic dissection. Last evaluated: 2024-11-22. Review status: criteria provided, single submitter. Criteria: Ambry Variant Classification Scheme 2023. Collection method: clinical testing. Allele origin: germline.
Comment: The p.G447C variant (also known as c.1339G>T), located in coding exon 19 of the COL3A1 gene, results from a G to T substitution at nucleotide position 1339. The glycine at codon 447 is replaced by cysteine, an amino acid with highly dissimilar properties. The majority (approximately two-thirds) ofCOL3A1mutations identified to date have involved the substitution of another amino acid for glycine within the triple-helical domain (PepinMG et al.GenetMed.2014;16(12):881-8; Frank M et al.Eur J Hum Genet. 2015;23(12):1657-64). Internal structural analysis indicates that this alteration disrupts the characteristic G-X-Y motif in theCOL3A1protein and inserts a bulky side chain into asterically-constrainedregion (Bella J et al.Science.1994;266:75-81;HohenesterE et al.Proc. Natl.Acad. Sci. U.S.A.2008;105:18273-7; Ambry internal data). This variant is considered to be rare based on population cohorts in the Genome Aggregation Database (gnomAD). This amino acid position is highly conserved in available vertebrate species. In addition, this alteration is predicted to be deleterious by in silico analysis. Based on the majority of available evidence to date, this variant is likely to be pathogenic.

NM_000090.4(COL3A1):c.1339G>T (p.Gly447Cys)

Gene: COL3A1 (collagen type III alpha 1 chain; plus strand). Cytogenetic location: 2q32.2.
Variant type: single nucleotide variant.
Coding change: c.1339G>T on transcript NM_000090.4 (MANE Select); coding-DNA position 1339, G replaced by T.
Protein change: p.Gly447Cys; replaces glycine 447 with cysteine.
Molecular consequence: missense variant.
Genome position (GRCh38, 1-based): chr2:188,994,586, G>T. VCF-style: chr2-188994586-G-T. GRCh37 (hg19) VCF-style: chr2-189859312-G-T.
Other names: short protein forms G447C.
Identifiers: ClinVar variation 3495471 (VCV003495471.1).